The following is an entry in ClinVar:

ClinVar aggregate classification (germline): Uncertain significance (1 of 4 stars; one submission).

Conditions:
Ataxia-telangiectasia syndrome (AT). Also called: Cerebello-oculocutaneous telangiectasia; Immunodeficiency with ataxia telangiectasia; AT, COMPLEMENTATION GROUP C; ATAXIA-TELANGIECTASIA, COMPLEMENTATION GROUP A; ATAXIA-TELANGIECTASIA, FRESNO VARIANT; LOUIS-BAR SYNDROME. Identifiers: Orphanet 100, MedGen C0004135, MONDO:0008840, OMIM 208900.

Submission:

Labcorp Genetics (formerly Invitae), Labcorp
Classification: Uncertain significance for Ataxia-telangiectasia syndrome. Last evaluated: 2020-12-22. Review status: criteria provided, single submitter. Criteria: Invitae Variant Classification Sherloc (09022015). Collection method: clinical testing. Allele origin: germline.
Comment: In summary, the available evidence is currently insufficient to determine the role of this variant in disease. Therefore, it has been classified as a Variant of Uncertain Significance. Advanced modeling of protein sequence and biophysical properties (such as structural, functional, and spatial information, amino acid conservation, physicochemical variation, residue mobility, and thermodynamic stability) performed at Invitae indicates that this missense variant is not expected to disrupt ATM protein function. This variant has not been reported in the literature in individuals with ATM-related conditions. This variant is not present in population databases (ExAC no frequency). This sequence change replaces valine with leucine at codon 1161 of the ATM protein (p.Val1161Leu). The valine residue is moderately conserved and there is a small physicochemical difference between valine and leucine.

NM_000051.4(ATM):c.3481G>C (p.Val1161Leu)

Gene: ATM (ATM serine/threonine kinase; plus strand). Cytogenetic location: 11q22.3.
Variant type: single nucleotide variant.
Coding change: c.3481G>C on transcript NM_000051.4 (MANE Select); coding-DNA position 3481, G replaced by C.
Protein change: p.Val1161Leu; replaces valine 1161 with leucine.
Molecular consequence: missense variant.
Genome position (GRCh38, 1-based): chr11:108,281,073, G>C. VCF-style: chr11-108281073-G-C. GRCh37 (hg19) VCF-style: chr11-108151800-G-C.
Other names: c.3481G>C, p.Val1161Leu (NM_001351834.2); short protein forms V1161L.
Identifiers: ClinVar variation 1501071 (VCV001501071.8), dbSNP rs1565441792, ClinGen allele CA382519503.